The following is an entry in ClinVar:

ClinVar aggregate classification (germline): Uncertain significance (1 of 4 stars; one submission).

Conditions:
Inborn genetic diseases. Identifiers: MedGen C0950123, MeSH D030342.

Allele frequency attached by ClinVar (database versions not stated): gnomAD exomes below 0.00001; TOPMed below 0.00001; gnomAD 0.00001; 1000 Genomes Project 30x 0.00016; 1000 Genomes Project 0.00020.

Submission:

Ambry Genetics
Classification: Uncertain significance for Inborn genetic diseases. Last evaluated: 2020-03-23. Review status: criteria provided, single submitter. Criteria: Ambry Variant Classification Scheme 2023. Collection method: clinical testing. Allele origin: germline.
Comment: The p.N1499S variant (also known as c.4496A>G), located in coding exon 26 of the SCN11A gene, results from an A to G substitution at nucleotide position 4496. The asparagine at codon 1499 is replaced by serine, an amino acid with highly similar properties. This amino acid position is highly conserved in available vertebrate species. In addition, the in silico prediction for this alteration is inconclusive. Since supporting evidence is limited at this time, the clinical significance of this alteration remains unclear.

NM_001349253.2(SCN11A):c.4496A>G (p.Asn1499Ser)

Gene: SCN11A (sodium voltage-gated channel alpha subunit 11; minus strand). Cytogenetic location: 3p22.2.
Variant type: single nucleotide variant.
Coding change: c.4496A>G on transcript NM_001349253.2 (MANE Select); coding-DNA position 4496, A replaced by G.
Protein change: p.Asn1499Ser; replaces asparagine 1499 with serine.
Molecular consequence: missense variant.
Genome position (GRCh38, 1-based): chr3:38,847,574, T>C on the plus strand (A>G on the coding strand, the complement: SCN11A is on the minus strand). VCF-style: chr3-38847574-T-C. GRCh37 (hg19) VCF-style: chr3-38889065-T-C.
Other names: c.4496A>G, p.Asn1499Ser (NM_014139.3); short protein forms N1499S.
Identifiers: ClinVar variation 1740993 (VCV001740993.2), dbSNP rs201687310, ClinGen allele CA72960086.